The following is an entry in ClinVar:

NM_000051.4(ATM):c.1564G>T (p.Glu522Ter)

Gene: ATM (ATM serine/threonine kinase; plus strand). Cytogenetic location: 11q22.3.
Variant type: single nucleotide variant.
Coding change: c.1564G>T on transcript NM_000051.4 (MANE Select); coding-DNA position 1564, G replaced by T.
Protein change: p.Glu522Ter; replaces glutamic acid 522 with a stop codon.
Molecular consequence: nonsense.
Genome position (GRCh38, 1-based): chr11:108,251,029, G>T. VCF-style: chr11-108251029-G-T. GRCh37 (hg19) VCF-style: chr11-108121756-G-T.
Other names: c.1564G>T, p.Glu522Ter (NM_001351834.2); short protein forms E522*.
Identifiers: ClinVar variation 932535 (VCV000932535.47), dbSNP rs2080118610, ClinGen allele CA382534365.

ClinVar aggregate classification (germline): Pathogenic. Review status: criteria provided, multiple submitters, no conflicts (2 of 4 stars). 4 submissions from 4 submitters: Pathogenic (4). Last evaluated 2024-11-04.

Conditions:
Familial cancer of breast. Also called: hereditary breast carcinoma; Hereditary breast cancer; BREAST CANCER, FAMILIAL. Identifiers: Orphanet 227535, MedGen C0346153, MONDO:0016419, OMIM 114480. Disease mechanism: loss of function.
Ataxia-telangiectasia syndrome (AT). Also called: ATAXIA-TELANGIECTASIA, COMPLEMENTATION GROUP A; ATAXIA-TELANGIECTASIA, FRESNO VARIANT; Ataxia-telangiectasia; Cerebello-oculocutaneous telangiectasia; Immunodeficiency with ataxia telangiectasia; Ataxia-telangiectasia, complementation group D. Identifiers: Orphanet 100, MedGen C0004135, MONDO:0008840, OMIM 208900.

Allele frequency attached by ClinVar (database versions not stated): gnomAD exomes below 0.00001.
gnomAD v4.1: 1 of 1,614,122 alleles (0.000062%); highest among the groups gnomAD compares: Non-Finnish European, 0.000085%; no homozygotes.

Submissions (4):

Department of Human Genetics, Hannover Medical School
Classification: Pathogenic for Familial cancer of breast. Last evaluated: 2024-11-04. Review status: criteria provided, single submitter. Criteria: ACMG Guidelines, 2015. Collection method: clinical testing. Allele origin: germline. Affected: yes.
Comment: PVS1, PM2_Supporting, PM5_Suppporting

Myriad Genetics, Inc.
Classification: Pathogenic for Familial cancer of breast. Last evaluated: 2024-01-16. Review status: criteria provided, single submitter. Criteria: Myriad Autosomal Dominant, Autosomal Recessive and X-Linked Classification Criteria (2023). Collection method: clinical testing. Allele origin: unknown.
Comment: This variant is considered pathogenic. This variant creates a termination codon and is predicted to result in premature protein truncation.

Labcorp Genetics (formerly Invitae), Labcorp
Classification: Pathogenic for Ataxia-telangiectasia syndrome. Last evaluated: 2021-01-31. Review status: criteria provided, single submitter. Criteria: Invitae Variant Classification Sherloc (09022015). Collection method: clinical testing. Allele origin: germline.
Comment: For these reasons, this variant has been classified as Pathogenic. Loss-of-function variants in ATM are known to be pathogenic (PMID: 23807571, 25614872). This variant has not been reported in the literature in individuals with ATM-related conditions. This variant is not present in population databases (ExAC no frequency). This sequence change creates a premature translational stop signal (p.Glu522*) in the ATM gene. It is expected to result in an absent or disrupted protein product.

CeGaT Center for Human Genetics Tuebingen
Classification: Pathogenic. Last evaluated: 2020-05-01. Review status: criteria provided, single submitter. Criteria: CeGaT Center For Human Genetics Tuebingen Variant Classification Criteria Version 2. Collection method: clinical testing. Allele origin: germline. Affected: yes. Observed: 1 variant allele.

Literature cited by the submitters: PubMed 23807571 (cited by Labcorp Genetics (formerly Invitae), Labcorp); PubMed 25614872 (cited by Labcorp Genetics (formerly Invitae), Labcorp).